The following is an entry in ClinVar:

ClinVar aggregate classification (germline): Uncertain significance. Review status: criteria provided, multiple submitters, no conflicts (2 of 4 stars). 2 submissions from 2 submitters: Uncertain significance (2). Last evaluated 2023-10-20.

Allele frequency attached by ClinVar (database versions not stated): TOPMed below 0.00001; ExAC 0.00001; gnomAD 0.00002.
gnomAD v4.1: 3 of 1,613,410 alleles (0.00019%); highest among the groups gnomAD compares: African/African-American, 0.004%; no homozygotes.

Submissions (2):

Ambry Genetics
Classification: Uncertain significance. Last evaluated: 2023-10-20. Review status: criteria provided, single submitter. Criteria: Ambry Variant Classification Scheme 2023. Collection method: clinical testing. Allele origin: germline.

Labcorp Genetics (formerly Invitae), Labcorp
Classification: Uncertain significance. Last evaluated: 2022-08-16. Review status: criteria provided, single submitter. Criteria: Invitae Variant Classification Sherloc (09022015). Collection method: clinical testing. Allele origin: germline.
Comment: This sequence change replaces glutamine, which is neutral and polar, with glutamic acid, which is acidic and polar, at codon 763 of the HMCN1 protein (p.Gln763Glu). This variant is present in population databases (rs747582812, gnomAD 0.007%). This variant has not been reported in the literature in individuals affected with HMCN1-related conditions. Algorithms developed to predict the effect of missense changes on protein structure and function are either unavailable or do not agree on the potential impact of this missense change (SIFT: "Deleterious"; PolyPhen-2: "Probably Damaging"; Align-GVGD: "Class C0"). In summary, the available evidence is currently insufficient to determine the role of this variant in disease. Therefore, it has been classified as a Variant of Uncertain Significance.

NM_031935.3(HMCN1):c.2287C>G (p.Gln763Glu)

Gene: HMCN1 (hemicentin 1; plus strand). Cytogenetic location: 1q31.1.
Variant type: single nucleotide variant.
Coding change: c.2287C>G on transcript NM_031935.3 (MANE Select); coding-DNA position 2287, C replaced by G.
Protein change: p.Gln763Glu; replaces glutamine 763 with glutamic acid.
Molecular consequence: missense variant.
Genome position (GRCh38, 1-based): chr1:185,970,409, C>G. VCF-style: chr1-185970409-C-G. GRCh37 (hg19) VCF-style: chr1-185939541-C-G.
Other names: c.2287C>G (NM_031935.2); short protein forms Q763E.
Identifiers: ClinVar variation 1974514 (VCV001974514.6), dbSNP rs747582812, ClinGen allele CA1291349.
Genomic context (GRCh38, chr1:185,970,409, plus strand): 5'-AGGCCCTCAACATTCCTCATTATTGACCCTCTCTTGGGACTTTTGAAGATTCAAGAAACA[C>G]AAGATCTGGATGCTGGCGATTATACCTGTGTAGCCATCAATGAGGCTGGAAGAGCAACTG-3'
Protein context (NP_114141.2, residues 753-773): LLGLLKIQET[Gln763Glu]DLDAGDYTCV